The following is an entry in ClinVar:

NM_014014.5(SNRNP200):c.6170C>T (p.Pro2057Leu)

Gene: SNRNP200 (small nuclear ribonucleoprotein U5 subunit 200; minus strand). Cytogenetic location: 2q11.2.
Variant type: single nucleotide variant.
Coding change: c.6170C>T on transcript NM_014014.5 (MANE Select); coding-DNA position 6170, C replaced by T.
Protein change: p.Pro2057Leu; replaces proline 2057 with leucine.
Molecular consequence: missense variant.
Genome position (GRCh38, 1-based): chr2:96,276,908, G>A on the plus strand (C>T on the coding strand, the complement: SNRNP200 is on the minus strand). VCF-style: chr2-96276908-G-A. GRCh37 (hg19) VCF-style: chr2-96942646-G-A.
Other names: short protein forms P2057L.
Identifiers: ClinVar variation 1965995 (VCV001965995.5), dbSNP rs1684675469, ClinGen allele CA347656240.

ClinVar aggregate classification (germline): Uncertain significance (1 of 4 stars; one submission).

Allele frequency attached by ClinVar (database versions not stated): gnomAD exomes 0.00001.
gnomAD v4.1: 10 of 1,614,056 alleles (0.00062%); highest among the groups gnomAD compares: East Asian, 0.0022%; no homozygotes.

Submission:

Labcorp Genetics (formerly Invitae), Labcorp
Classification: Uncertain significance. Last evaluated: 2022-06-08. Review status: criteria provided, single submitter. Criteria: Invitae Variant Classification Sherloc (09022015). Collection method: clinical testing. Allele origin: germline.
Comment: This variant is not present in population databases (gnomAD no frequency). In summary, the available evidence is currently insufficient to determine the role of this variant in disease. Therefore, it has been classified as a Variant of Uncertain Significance. Algorithms developed to predict the effect of missense changes on protein structure and function are either unavailable or do not agree on the potential impact of this missense change (SIFT: "Deleterious"; PolyPhen-2: "Probably Damaging"; Align-GVGD: "Class C0"). This variant has not been reported in the literature in individuals affected with SNRNP200-related conditions. This sequence change replaces proline, which is neutral and non-polar, with leucine, which is neutral and non-polar, at codon 2057 of the SNRNP200 protein (p.Pro2057Leu).